The following is an entry in ClinVar:

ClinVar aggregate classification (germline): Likely benign (1 of 4 stars; one submission).

Allele frequency attached by ClinVar (database versions not stated): gnomAD 0.00001; ExAC 0.00002; gnomAD exomes 0.00002; TOPMed 0.00003.
gnomAD v4.1: 22 of 1,608,880 alleles (0.0014%); highest among the groups gnomAD compares: Non-Finnish European, 0.0019%; no homozygotes.

Submission:

CeGaT Center for Human Genetics Tuebingen
Classification: Likely benign. Last evaluated: 2022-07-01. Review status: criteria provided, single submitter. Criteria: CeGaT Center For Human Genetics Tuebingen Variant Classification Criteria Version 2. Collection method: clinical testing. Allele origin: germline. Affected: yes. Observed: 1 variant allele.
Comment: SMC4: BP4, BP7

NM_001002800.3(SMC4):c.2817C>T (p.Asp939=)

Genes: SMC4 (structural maintenance of chromosomes 4; plus strand), TRIM59-IFT80 (TRIM59-IFT80 readthrough (NMD candidate); minus strand). Cytogenetic location: 3q25.33.
Variant type: single nucleotide variant.
Coding change: c.2817C>T on transcript NM_001002800.3 (MANE Select); coding-DNA position 2817, C replaced by T.
Protein change: p.Asp939=; no amino-acid change (aspartic acid 939 retained).
Molecular consequence: synonymous variant.
Genome position (GRCh38, 1-based): chr3:160,430,620, C>T. VCF-style: chr3-160430620-C-T. GRCh37 (hg19) VCF-style: chr3-160148408-C-T.
Other names: c.2742C>T, p.Asp914= (NM_001288753.2); c.2817C>T, p.Asp939= (NM_005496.3).
Identifiers: ClinVar variation 2654258 (VCV002654258.24), dbSNP rs780744552, ClinGen allele CA2686574.